The following is an entry in ClinVar:

ClinVar aggregate classification (germline): Conflicting classifications of pathogenicity. Review status: criteria provided, conflicting classifications (1 of 4 stars). 3 submissions from 3 submitters: Uncertain significance (1); Likely benign (1). 1 of the submissions does not count toward it. Last evaluated 2025-04-07.

Conditions:
KIDINS220-related disorder. Also called: KIDINS220-related condition.
Inborn genetic diseases. Identifiers: MedGen C0950123, MeSH D030342.

Allele frequency attached by ClinVar (database versions not stated): ExAC 0.00001; gnomAD exomes 0.00003; gnomAD 0.00005; TOPMed 0.00008.
gnomAD v4.1: 53 of 1,614,098 alleles (0.0033%); highest among the groups gnomAD compares: Middle Eastern, 0.033%; no homozygotes.

Submissions (3):

Labcorp Genetics (formerly Invitae), Labcorp
Classification: Uncertain significance. Last evaluated: 2025-04-07. Review status: criteria provided, single submitter. Criteria: Invitae Variant Classification Sherloc (09022015). Collection method: clinical testing. Allele origin: germline.
Comment: This sequence change replaces threonine, which is neutral and polar, with methionine, which is neutral and non-polar, at codon 1105 of the KIDINS220 protein (p.Thr1105Met). This variant is present in population databases (rs199990643, gnomAD 0.03%). This variant has not been reported in the literature in individuals affected with KIDINS220-related conditions. ClinVar contains an entry for this variant (Variation ID: 2059635). An algorithm developed to predict the effect of missense changes on protein structure and function (PolyPhen-2) suggests that this variant is likely to be tolerated. In summary, the available evidence is currently insufficient to determine the role of this variant in disease. Therefore, it has been classified as a Variant of Uncertain Significance.

Ambry Genetics
Classification: Likely benign for Inborn genetic diseases. Last evaluated: 2024-12-09. Review status: criteria provided, single submitter. Criteria: Ambry Variant Classification Scheme 2023. Collection method: clinical testing. Allele origin: germline.

PreventionGenetics, part of Exact Sciences
Classification: Uncertain significance for KIDINS220-related condition. Last evaluated: 2024-03-25. Review status: no assertion criteria provided. Collection method: clinical testing. Allele origin: germline. Not counted in ClinVar's aggregate classification.
Comment: The KIDINS220 c.3314C>T variant is predicted to result in the amino acid substitution p.Thr1105Met. To our knowledge, this variant has not been reported in the literature. This variant is reported in 0.028% of alleles in individuals of Latino descent in gnomAD. At this time, the clinical significance of this variant is uncertain due to the absence of conclusive functional and genetic evidence.

NM_020738.4(KIDINS220):c.3314C>T (p.Thr1105Met)

Gene: KIDINS220 (kinase D interacting substrate 220; minus strand). Cytogenetic location: 2p25.1.
Variant type: single nucleotide variant.
Coding change: c.3314C>T on transcript NM_020738.4 (MANE Select); coding-DNA position 3314, C replaced by T.
Protein change: p.Thr1105Met; replaces threonine 1105 with methionine.
Molecular consequence: missense variant. On other transcripts: non-coding transcript variant (2).
Genome position (GRCh38, 1-based): chr2:8,750,212, G>A on the plus strand (C>T on the coding strand, the complement: KIDINS220 is on the minus strand). VCF-style: chr2-8750212-G-A. GRCh37 (hg19) VCF-style: chr2-8890342-G-A.
Other names: c.3317C>T, p.Thr1106Met (NM_001348729.2, NM_001348731.2, NM_001348734.2 and 2 more transcripts); c.3314C>T, p.Thr1105Met (NM_001348732.2, NM_001348735.2, NM_001348738.2 and 3 more transcripts); c.3188C>T, p.Thr1063Met (NM_001348736.2); c.3314C>T (NM_020738.2); short protein forms T1063M, T1106M, T1105M.
Identifiers: ClinVar variation 2059635 (VCV002059635.6), dbSNP rs199990643, ClinGen allele CA1519706.